The following is an entry in ClinVar:

ClinVar aggregate classification (germline): Likely pathogenic (1 of 4 stars; one submission).

Conditions:
Karyomegalic interstitial nephritis. Identifiers: Orphanet 401996, MedGen C3553774, MONDO:0013898, OMIM 614817.

Submission:

Fulgent Genetics
Classification: Likely pathogenic for Karyomegalic interstitial nephritis. Last evaluated: 2021-06-30. Review status: criteria provided, single submitter. Criteria: ACMG Guidelines, 2015. Collection method: clinical testing. Allele origin: unknown.
Comment: This variant has been detected in individual(s) who were sent for testing of Renasight - kidney gene panel.

NM_014967.5(FAN1):c.332del (p.Pro111fs)

Gene: FAN1 (FANCD2 and FANCI associated nuclease 1; plus strand). Cytogenetic location: 15q13.3.
Variant type: Deletion.
Coding change: c.332del on transcript NM_014967.5 (MANE Select); coding-DNA position 332, one base deleted (C; older notation c.332delC).
Protein change: p.Pro111fs; shifts the reading frame from proline 111.
Molecular consequence: frameshift variant.
Genome position (GRCh38, 1-based): chr15:30,904,995, C deleted; the last of 4 consecutive C bases (chr15:30,904,992-30,904,995); deleting any one gives the same sequence. VCF-style (leftmost placement, unchanged base first): chr15-30904991-AC-A. GRCh37 (hg19) VCF-style: chr15-31197194-AC-A.
Other names: c.332del, p.Pro111fs (NM_001146094.2, NM_001146095.1, NM_001146096.2); short protein forms P111fs.
Identifiers: ClinVar variation 1179186 (VCV001179186.2), dbSNP rs2140895653, ClinGen allele CA2499222863.
Genomic context (GRCh38, chr15:30,904,991, plus strand): 5'-ACCAGTGTTACCTTAGAAGATGTAACACCTAAGAAGTCACCACCACCAAAGACAAATTTA[AC>A]CCCTGGCCAAAGTGATTCAGCAAAAAGGGAAGTAAAGCAGAAGATCAGTCCCTACTTTAA-3'